The following is an entry in ClinVar:

NM_001563.4(IMPG1):c.503A>G (p.Asp168Gly)

Gene: IMPG1 (interphotoreceptor matrix proteoglycan 1; minus strand). Cytogenetic location: 6q14.1.
Variant type: single nucleotide variant.
Coding change: c.503A>G on transcript NM_001563.4 (MANE Select); coding-DNA position 503, A replaced by G.
Protein change: p.Asp168Gly; replaces aspartic acid 168 with glycine.
Molecular consequence: missense variant.
Genome position (GRCh38, 1-based): chr6:76,025,253, T>C on the plus strand (A>G on the coding strand, the complement: IMPG1 is on the minus strand). VCF-style: chr6-76025253-T-C. GRCh37 (hg19) VCF-style: chr6-76734970-T-C.
Other names: c.269A>G, p.Asp90Gly (NM_001282368.2); short protein forms D168G, D90G.
Identifiers: ClinVar variation 1044107 (VCV001044107.9), dbSNP rs752502872, ClinGen allele CA3898468.

ClinVar aggregate classification (germline): Uncertain significance. Review status: criteria provided, multiple submitters, no conflicts (2 of 4 stars). 2 submissions from 2 submitters: Uncertain significance (2). Last evaluated 2024-07-17.

Allele frequency attached by ClinVar (database versions not stated): gnomAD 0.00001 and 0.00002; TOPMed 0.00001; gnomAD exomes 0.00002; ExAC 0.00003.
gnomAD v4.1: 29 of 1,575,246 alleles (0.0018%); highest among the groups gnomAD compares: Middle Eastern, 0.067%; 1 homozygote.

Submissions (2):

Blueprint Genetics
Classification: Uncertain significance. Last evaluated: 2024-07-17. Review status: criteria provided, single submitter. Criteria: ACMG Guidelines, 2015. Collection method: clinical testing. Allele origin: germline.

Labcorp Genetics (formerly Invitae), Labcorp
Classification: Uncertain significance. Last evaluated: 2023-11-27. Review status: criteria provided, single submitter. Criteria: Invitae Variant Classification Sherloc (09022015). Collection method: clinical testing. Allele origin: germline.
Comment: This sequence change replaces aspartic acid, which is acidic and polar, with glycine, which is neutral and non-polar, at codon 168 of the IMPG1 protein (p.Asp168Gly). This variant is present in population databases (rs752502872, gnomAD 0.02%). This variant has not been reported in the literature in individuals affected with IMPG1-related conditions. ClinVar contains an entry for this variant (Variation ID: 1044107). Algorithms developed to predict the effect of missense changes on protein structure and function output the following: SIFT: "Not Available"; PolyPhen-2: "Benign"; Align-GVGD: "Not Available". The glycine amino acid residue is found in multiple mammalian species, which suggests that this missense change does not adversely affect protein function. In summary, the available evidence is currently insufficient to determine the role of this variant in disease. Therefore, it has been classified as a Variant of Uncertain Significance.